The following is an entry in ClinVar:

NM_000276.4(OCRL):c.966G>A (p.Met322Ile)

Gene: OCRL (OCRL inositol polyphosphate-5-phosphatase; plus strand). Cytogenetic location: Xq26.1.
Variant type: single nucleotide variant.
Coding change: c.966G>A on transcript NM_000276.4 (MANE Select); coding-DNA position 966, G replaced by A.
Protein change: p.Met322Ile; replaces methionine 322 with isoleucine.
Molecular consequence: missense variant.
Genome position (GRCh38, 1-based): chrX:129,562,410, G>A. VCF-style: chrX-129562410-G-A. GRCh37 (hg19) VCF-style: chrX-128696387-G-A.
Other names: c.969G>A, p.Met323Ile (NM_001318784.2); c.966G>A, p.Met322Ile (NM_001587.4); short protein forms M323I, M322I.
Identifiers: ClinVar variation 3665892 (VCV003665892.2).

ClinVar aggregate classification (germline): Uncertain significance (1 of 4 stars; one submission).

Conditions:
Lowe syndrome (OCRL). Also called: LOWE OCULOCEREBRORENAL SYNDROME; PHOSPHATIDYLINOSITOL 4,5-BISPHOSPHATE 5-PHOSPHATASE DEFICIENCY; Oculocerebrorenal Syndrome. Identifiers: Orphanet 534, MedGen C0028860, MONDO:0010645, OMIM 309000.

gnomAD v4.1: 1 of 1,210,817 alleles (0.000083%); highest among the groups gnomAD compares: Non-Finnish European, 0.00011%; no homozygotes.

Submission:

Labcorp Genetics (formerly Invitae), Labcorp
Classification: Uncertain significance for Lowe syndrome. Last evaluated: 2024-12-04. Review status: criteria provided, single submitter. Criteria: Invitae Variant Classification Sherloc (09022015). Collection method: clinical testing. Allele origin: germline.
Comment: This sequence change replaces methionine, which is neutral and non-polar, with isoleucine, which is neutral and non-polar, at codon 322 of the OCRL protein (p.Met322Ile). This variant is not present in population databases (gnomAD no frequency). This variant has not been reported in the literature in individuals affected with OCRL-related conditions. Invitae Evidence Modeling of protein sequence and biophysical properties (such as structural, functional, and spatial information, amino acid conservation, physicochemical variation, residue mobility, and thermodynamic stability) indicates that this missense variant is not expected to disrupt OCRL protein function with a negative predictive value of 80%. In summary, the available evidence is currently insufficient to determine the role of this variant in disease. Therefore, it has been classified as a Variant of Uncertain Significance.